The following is an entry in ClinVar:

ClinVar aggregate classification (germline): Uncertain significance (1 of 4 stars; one submission).

Submission:

Labcorp Genetics (formerly Invitae), Labcorp
Classification: Uncertain significance. Last evaluated: 2025-07-21. Review status: criteria provided, single submitter. Criteria: Invitae Variant Classification Sherloc (09022015). Collection method: clinical testing. Allele origin: germline.
Comment: This sequence change replaces lysine, which is basic and polar, with isoleucine, which is neutral and non-polar, at codon 341 of the PRPF8 protein (p.Lys341Ile). This variant is not present in population databases (gnomAD no frequency). This variant has not been reported in the literature in individuals affected with PRPF8-related conditions. Invitae Evidence Modeling of protein sequence and biophysical properties (such as structural, functional, and spatial information, amino acid conservation, physicochemical variation, residue mobility, and thermodynamic stability) indicates that this missense variant is not expected to disrupt PRPF8 protein function with a negative predictive value of 80%. In summary, the available evidence is currently insufficient to determine the role of this variant in disease. Therefore, it has been classified as a Variant of Uncertain Significance.

NM_006445.4(PRPF8):c.1022A>T (p.Lys341Ile)

Gene: PRPF8 (pre-mRNA processing factor 8; minus strand). Cytogenetic location: 17p13.3.
Variant type: single nucleotide variant.
Coding change: c.1022A>T on transcript NM_006445.4 (MANE Select); coding-DNA position 1022, A replaced by T.
Protein change: p.Lys341Ile; replaces lysine 341 with isoleucine.
Molecular consequence: missense variant.
Genome position (GRCh38, 1-based): chr17:1,680,802, T>A on the plus strand (A>T on the coding strand, the complement: PRPF8 is on the minus strand). VCF-style: chr17-1680802-T-A. GRCh37 (hg19) VCF-style: chr17-1584096-T-A.
Other names: short protein forms K341I.
Identifiers: ClinVar variation 4741675 (VCV004741675.1).